The following is an entry in ClinVar:

ClinVar aggregate classification (germline): Conflicting classifications of pathogenicity. Review status: criteria provided, conflicting classifications (1 of 4 stars). 4 submissions from 4 submitters: Uncertain significance (2); Likely benign (2). Last evaluated 2025-10-26.

Conditions:
Inborn genetic diseases. Identifiers: MedGen C0950123, MeSH D030342.

Allele frequency attached by ClinVar (database versions not stated): gnomAD 0.00005 and 0.00006; TOPMed 0.00015; 1000 Genomes Project 30x 0.00016; 1000 Genomes Project 0.00020.
gnomAD v4.1: 17 of 1,614,114 alleles (0.0011%); highest among the groups gnomAD compares: Admixed American, 0.015%; no homozygotes.

Submissions (4):

Labcorp Genetics (formerly Invitae), Labcorp
Classification: Uncertain significance. Last evaluated: 2025-10-26. Review status: criteria provided, single submitter. Criteria: Invitae Variant Classification Sherloc (09022015). Collection method: clinical testing. Allele origin: germline.
Comment: This sequence change replaces arginine, which is basic and polar, with proline, which is neutral and non-polar, at codon 271 of the ASXL1 protein (p.Arg271Pro). This variant is present in population databases (rs576447224, gnomAD 0.009%). This variant has not been reported in the literature in individuals affected with ASXL1-related conditions. ClinVar contains an entry for this variant (Variation ID: 1216664). An algorithm developed to predict the effect of missense changes on protein structure and function (PolyPhen-2) suggests that this variant is likely to be disruptive. In summary, the available evidence is currently insufficient to determine the role of this variant in disease. Therefore, it has been classified as a Variant of Uncertain Significance.

GeneDx
Classification: Likely benign. Last evaluated: 2024-12-23. Review status: criteria provided, single submitter. Criteria: GeneDx Variant Classification Process June 2021. Collection method: clinical testing. Allele origin: germline. Affected: yes.
Comment: See Variant Classification Assertion Criteria.

Ambry Genetics
Classification: Likely benign for Inborn genetic diseases. Last evaluated: 2023-03-14. Review status: criteria provided, single submitter. Criteria: Ambry Variant Classification Scheme 2023. Collection method: clinical testing. Allele origin: germline.

Blueprint Genetics
Classification: Uncertain significance. Last evaluated: 2021-10-08. Review status: criteria provided, single submitter. Criteria: ACMG Guidelines, 2015. Collection method: clinical testing. Allele origin: germline.

NM_015338.6(ASXL1):c.812G>C (p.Arg271Pro)

Gene: ASXL1 (ASXL transcriptional regulator 1; plus strand). Cytogenetic location: 20q11.21.
Variant type: single nucleotide variant.
Coding change: c.812G>C on transcript NM_015338.6 (MANE Select); coding-DNA position 812, G replaced by C.
Protein change: p.Arg271Pro; replaces arginine 271 with proline.
Molecular consequence: missense variant.
Genome position (GRCh38, 1-based): chr20:32,431,414, G>C. VCF-style: chr20-32431414-G-C. GRCh37 (hg19) VCF-style: chr20-31019217-G-C.
Other names: c.629G>C, p.Arg210Pro (NM_001363734.1); short protein forms R210P, R271P.
Identifiers: ClinVar variation 1216664 (VCV001216664.15), dbSNP rs576447224, ClinGen allele CA313924883.
Genomic context (GRCh38, chr20:32,431,414, plus strand): 5'-ATTTTGAGACACCTGGGTCCATTCTTGTCAACACCAACCTCCGTGCCCTGATCAACTCTC[G>C]GACCTTCCATGCCTTACCATCACACTTCCAGCAGCAGCTCCTCTTCCTCCTGCCTGAAGT-3'
Protein context (NP_056153.2, residues 261-281): NTNLRALINS[Arg271Pro]TFHALPSHFQ